The following is an entry in ClinVar:

NM_000219.6(KCNE1):c.233T>C (p.Phe78Ser)

Gene: KCNE1 (potassium voltage-gated channel subfamily E regulatory subunit 1; minus strand). Cytogenetic location: 21q22.12.
Variant type: single nucleotide variant.
Coding change: c.233T>C on transcript NM_000219.6 (MANE Select); coding-DNA position 233, T replaced by C.
Protein change: p.Phe78Ser; replaces phenylalanine 78 with serine.
Molecular consequence: missense variant.
Genome position (GRCh38, 1-based): chr21:34,449,402, A>G on the plus strand (T>C on the coding strand, the complement: KCNE1 is on the minus strand). VCF-style: chr21-34449402-A-G. GRCh37 (hg19) VCF-style: chr21-35821700-A-G.
Other names: c.233T>C, p.Phe78Ser (NM_001127668.4, NM_001127669.4, NM_001127670.4 and 4 more transcripts); short protein forms F78S.
Identifiers: ClinVar variation 3374395 (VCV003374395.2).

Conditions:
Long QT syndrome 5 (LQT5). Identifiers: Orphanet 101016, Orphanet 768, MedGen C1867904, MONDO:0013372, OMIM 613695.

Submission:

Roden Lab, Vanderbilt University Medical Center
No classification provided (evidence only). Condition: Long QT syndrome 5. Review status: no classification provided. Collection method: in vitro. Allele origin: not applicable. Functional consequence: Effect on ion channel function.
ClinVar note: "not provided" was previously submitted as the classification for the variant. However, the classification appeared to be based only on an observation of functional data so it was converted to no classification on 2025-07-30.